The following is an entry in ClinVar:

NM_001369.3(DNAH5):c.8319_8320del (p.Trp2774fs)

Gene: DNAH5 (dynein axonemal heavy chain 5; minus strand). Cytogenetic location: 5p15.2.
Variant type: Deletion.
Coding change: c.8319_8320del on transcript NM_001369.3 (MANE Select); coding-DNA positions 8319 to 8320, 2 bases deleted (AT; older notation c.8319_8320delAT).
Protein change: p.Trp2774fs; shifts the reading frame from tryptophan 2774.
Molecular consequence: frameshift variant.
Genome position (GRCh38, 1-based): chr5:13,792,122-13,792,123, AT deleted on the plus strand (AT on the coding strand, the reverse complement: DNAH5 is on the minus strand); deleting any 2 consecutive bases within chr5:13,792,122-13,792,124 gives the same sequence; the c. name uses the placement nearest the transcript's 3' end. VCF-style (leftmost placement, unchanged base first): chr5-13792121-CAT-C. GRCh37 (hg19) VCF-style: chr5-13792230-CAT-C.
Other names: short protein forms W2774fs.
Identifiers: ClinVar variation 5012660 (VCV005012660.1).

ClinVar aggregate classification (germline): Pathogenic (1 of 4 stars; one submission).

Conditions:
Primary ciliary dyskinesia 3. Identifiers: Orphanet 244, MedGen C1837618, MONDO:0012085, OMIM 608644.

Submission:

Myriad Genetics, Inc.
Classification: Pathogenic for Primary ciliary dyskinesia 3. Last evaluated: 2024-01-21. Review status: criteria provided, single submitter. Criteria: Myriad Autosomal Dominant, Autosomal Recessive and X-Linked Classification Criteria (2023). Collection method: clinical testing. Allele origin: unknown.
Comment: NM_001369.2(DNAH5):c.8319_8320delAT(W2774Afs*6) is expected to be pathogenic in the context of primary ciliary dyskinesia, DNAH5-related. This variant is predicted to lead to an abnormal or absent protein product due to the creation of a premature termination codon in DNAH5, a gene where loss-of-function variants are known to be pathogenic. Please note: this variant was assessed in the context of healthy population screening.